The following is an entry in ClinVar:

ClinVar aggregate classification (germline): Uncertain significance. Review status: criteria provided, multiple submitters, no conflicts (2 of 4 stars). 2 submissions from 2 submitters: Uncertain significance (2). Last evaluated 2025-05-01.

Conditions:
Hereditary cancer-predisposing syndrome. Also called: Neoplastic Syndromes, Hereditary; Hereditary Cancer Syndrome; Hereditary neoplastic syndrome; Tumor predisposition. Identifiers: Orphanet 140162, MedGen C0027672, MeSH D009386, MONDO:0015356.
BAP1-related tumor predisposition syndrome (TPDS1). Also called: COMMON Syndrome; TUMOR PREDISPOSITION SYNDROME 1; BAP1 tumor predisposition syndrome; Tumor susceptibility linked to germline BAP1 mutations. Identifiers: Orphanet 289539, MedGen C3280492, MONDO:0013692, OMIM 614327.

Submissions (2):

Labcorp Genetics (formerly Invitae), Labcorp
Classification: Uncertain significance for BAP1-related tumor predisposition syndrome. Last evaluated: 2025-05-01. Review status: criteria provided, single submitter. Criteria: Invitae Variant Classification Sherloc (09022015). Collection method: clinical testing. Allele origin: germline.
Comment: This sequence change replaces alanine, which is neutral and non-polar, with aspartic acid, which is acidic and polar, at codon 288 of the BAP1 protein (p.Ala288Asp). This variant is not present in population databases (gnomAD no frequency). This variant has not been reported in the literature in individuals affected with BAP1-related conditions. ClinVar contains an entry for this variant (Variation ID: 2565174). Invitae Evidence Modeling of protein sequence and biophysical properties (such as structural, functional, and spatial information, amino acid conservation, physicochemical variation, residue mobility, and thermodynamic stability) indicates that this missense variant is not expected to disrupt BAP1 protein function with a negative predictive value of 80%. In summary, the available evidence is currently insufficient to determine the role of this variant in disease. Therefore, it has been classified as a Variant of Uncertain Significance.

Ambry Genetics
Classification: Uncertain significance for Hereditary cancer-predisposing syndrome. Last evaluated: 2023-05-01. Review status: criteria provided, single submitter. Criteria: Ambry Variant Classification Scheme 2023. Collection method: clinical testing. Allele origin: germline.
Comment: The p.A288D variant (also known as c.863C>A), located in coding exon 10 of the BAP1 gene, results from a C to A substitution at nucleotide position 863. The alanine at codon 288 is replaced by aspartic acid, an amino acid with dissimilar properties. This amino acid position is conserved. In addition, this alteration is predicted to be tolerated by in silico analysis. Since supporting evidence is limited at this time, the clinical significance of this alteration remains unclear.

NM_004656.4(BAP1):c.863C>A (p.Ala288Asp)

Gene: BAP1 (BRCA1 associated deubiquitinase 1; minus strand). Cytogenetic location: 3p21.1.
Variant type: single nucleotide variant.
Coding change: c.863C>A on transcript NM_004656.4 (MANE Select); coding-DNA position 863, C replaced by A.
Protein change: p.Ala288Asp; replaces alanine 288 with aspartic acid.
Molecular consequence: missense variant.
Genome position (GRCh38, 1-based): chr3:52,405,833, G>T on the plus strand (C>A on the coding strand, the complement: BAP1 is on the minus strand). VCF-style: chr3-52405833-G-T. GRCh37 (hg19) VCF-style: chr3-52439849-G-T.
Other names: c.809C>A, p.Ala270Asp (NM_001410772.1); short protein forms A288D, A270D.
Identifiers: ClinVar variation 2565174 (VCV002565174.5), dbSNP rs545587662, ClinGen allele CA353106718.